The following is an entry in ClinVar:

NM_004385.5(VCAN):c.1949G>A (p.Arg650His)

Gene: VCAN (versican; plus strand). Cytogenetic location: 5q14.3.
Variant type: single nucleotide variant.
Coding change: c.1949G>A on transcript NM_004385.5 (MANE Select); coding-DNA position 1949, G replaced by A.
Protein change: p.Arg650His; replaces arginine 650 with histidine.
Molecular consequence: missense variant. On other transcripts: intron variant (2).
Genome position (GRCh38, 1-based): chr5:83,520,255, G>A. VCF-style: chr5-83520255-G-A. GRCh37 (hg19) VCF-style: chr5-82816074-G-A.
Other names: c.1949G>A, p.Arg650His (NM_001164098.2); c.1042+7859G>A (NM_001164097.2, NM_001126336.3); c.1949G>A (NM_004385.4); short protein forms R650H.
Identifiers: ClinVar variation 2915791 (VCV002915791.6), dbSNP rs371049542, ClinGen allele CA3332757.

ClinVar aggregate classification (germline): Conflicting classifications of pathogenicity. Review status: criteria provided, conflicting classifications (1 of 4 stars). 4 submissions from 4 submitters: Uncertain significance (2); Likely benign (2). Last evaluated 2026-07-17.

Conditions:
Inborn genetic diseases. Identifiers: MedGen C0950123, MeSH D030342.
VCAN-related disorder. Also called: VCAN-related condition.

Allele frequency attached by ClinVar (database versions not stated): ExAC 0.00002; gnomAD 0.00003; gnomAD exomes 0.00003; TOPMed 0.00005; ESP Exome Variant Server 0.00008; 1000 Genomes Project 0.00020; 1000 Genomes Project 30x 0.00031.
gnomAD v4.1: 52 of 1,613,898 alleles (0.0032%); highest among the groups gnomAD compares: African/African-American, 0.008%; no homozygotes.

Submissions (4):

PreventionGenetics, part of Exact Sciences
Classification: Uncertain significance for VCAN-related condition. Last evaluated: 2026-07-17. Review status: criteria provided, single submitter. Criteria: ACMG Guidelines, 2015. Collection method: clinical testing. Allele origin: germline.
Comment: The VCAN c.1949G>A variant is predicted to result in the amino acid substitution p.Arg650His. To our knowledge, this variant has not been reported in the literature. This variant is reported in 0.012% of alleles in individuals of African descent in gnomAD. At this time, the clinical significance of this variant is uncertain due to the absence of conclusive functional and genetic evidence.

Labcorp Genetics (formerly Invitae), Labcorp
Classification: Uncertain significance. Last evaluated: 2024-12-12. Review status: criteria provided, single submitter. Criteria: Invitae Variant Classification Sherloc (09022015). Collection method: clinical testing. Allele origin: germline.
Comment: This sequence change replaces arginine, which is basic and polar, with histidine, which is basic and polar, at codon 650 of the VCAN protein (p.Arg650His). This variant is present in population databases (rs371049542, gnomAD 0.01%). This variant has not been reported in the literature in individuals affected with VCAN-related conditions. ClinVar contains an entry for this variant (Variation ID: 2915791). An algorithm developed to predict the effect of missense changes on protein structure and function outputs the following: PolyPhen-2: "Benign". The histidine amino acid residue is found in multiple mammalian species, which suggests that this missense change does not adversely affect protein function. In summary, the available evidence is currently insufficient to determine the role of this variant in disease. Therefore, it has been classified as a Variant of Uncertain Significance.

Blueprint Genetics
Classification: Likely benign. Last evaluated: 2024-01-30. Review status: criteria provided, single submitter. Criteria: ACMG Guidelines, 2015. Collection method: clinical testing. Allele origin: germline.

Ambry Genetics
Classification: Likely benign for Inborn genetic diseases. Last evaluated: 2023-09-29. Review status: criteria provided, single submitter. Criteria: Ambry Variant Classification Scheme 2023. Collection method: clinical testing. Allele origin: germline.